The following is an entry in ClinVar:

NM_018230.3(NUP133):c.1775A>G (p.Asn592Ser)

Gene: NUP133 (nucleoporin 133; minus strand). Cytogenetic location: 1q42.13.
Variant type: single nucleotide variant.
Coding change: c.1775A>G on transcript NM_018230.3 (MANE Select); coding-DNA position 1775, A replaced by G.
Protein change: p.Asn592Ser; replaces asparagine 592 with serine.
Molecular consequence: missense variant.
Genome position (GRCh38, 1-based): chr1:229,475,714, T>C on the plus strand (A>G on the coding strand, the complement: NUP133 is on the minus strand). VCF-style: chr1-229475714-T-C. GRCh37 (hg19) VCF-style: chr1-229611461-T-C.
Other names: short protein forms N592S.
Identifiers: ClinVar variation 2104915 (VCV002104915.4), dbSNP rs139653543, ClinGen allele CA38801778.

ClinVar aggregate classification (germline): Uncertain significance (1 of 4 stars; one submission).

Allele frequency attached by ClinVar (database versions not stated): TOPMed below 0.00001; gnomAD 0.00001; gnomAD exomes 0.00001; ESP Exome Variant Server 0.00008.
gnomAD v4.1: 4 of 1,613,924 alleles (0.00025%); highest among the groups gnomAD compares: Admixed American, 0.0033%; no homozygotes.

Submission:

Labcorp Genetics (formerly Invitae), Labcorp
Classification: Uncertain significance. Last evaluated: 2022-04-14. Review status: criteria provided, single submitter. Criteria: Invitae Variant Classification Sherloc (09022015). Collection method: clinical testing. Allele origin: germline.
Comment: In summary, the available evidence is currently insufficient to determine the role of this variant in disease. Therefore, it has been classified as a Variant of Uncertain Significance. Algorithms developed to predict the effect of missense changes on protein structure and function are either unavailable or do not agree on the potential impact of this missense change (SIFT: "Tolerated"; PolyPhen-2: "Probably Damaging"; Align-GVGD: "Class C0"). This variant has not been reported in the literature in individuals affected with NUP133-related conditions. This variant is present in population databases (rs139653543, gnomAD 0.003%). This sequence change replaces asparagine, which is neutral and polar, with serine, which is neutral and polar, at codon 592 of the NUP133 protein (p.Asn592Ser).